The following is an entry in ClinVar:

NM_004252.5(NHERF1):c.1031C>T (p.Pro344Leu)

Gene: NHERF1 (NHERF family PDZ scaffold protein 1; plus strand). Cytogenetic location: 17q25.1.
Variant type: single nucleotide variant.
Coding change: c.1031C>T on transcript NM_004252.5 (MANE Select); coding-DNA position 1031, C replaced by T.
Protein change: p.Pro344Leu; replaces proline 344 with leucine.
Molecular consequence: missense variant.
Genome position (GRCh38, 1-based): chr17:74,768,610, C>T. VCF-style: chr17-74768610-C-T. GRCh37 (hg19) VCF-style: chr17-72764749-C-T.
Other names: short protein forms P344L.
Identifiers: ClinVar variation 2648235 (VCV002648235.27), dbSNP rs199563744, ClinGen allele CA8750865.

ClinVar aggregate classification (germline): Uncertain significance. Review status: criteria provided, multiple submitters, no conflicts (2 of 4 stars). 2 submissions from 2 submitters: Uncertain significance (2). Last evaluated 2025-03-18.

Allele frequency attached by ClinVar (database versions not stated): gnomAD 0.00003; ESP Exome Variant Server 0.00023; 1000 Genomes Project 30x 0.00031; 1000 Genomes Project 0.00040.
gnomAD v4.1: 48 of 1,614,098 alleles (0.003%); highest among the groups gnomAD compares: Admixed American, 0.025%; no homozygotes.

Submissions (2):

Labcorp Genetics (formerly Invitae), Labcorp
Classification: Uncertain significance. Last evaluated: 2025-03-18. Review status: criteria provided, single submitter. Criteria: Invitae Variant Classification Sherloc (09022015). Collection method: clinical testing. Allele origin: germline.
Comment: This sequence change replaces proline, which is neutral and non-polar, with leucine, which is neutral and non-polar, at codon 344 of the SLC9A3R1 protein (p.Pro344Leu). This variant is present in population databases (rs199563744, gnomAD 0.04%). This variant has not been reported in the literature in individuals affected with SLC9A3R1-related conditions. ClinVar contains an entry for this variant (Variation ID: 2648235). An algorithm developed to predict the effect of missense changes on protein structure and function (PolyPhen-2) suggests that this variant is likely to be disruptive. In summary, the available evidence is currently insufficient to determine the role of this variant in disease. Therefore, it has been classified as a Variant of Uncertain Significance.

CeGaT Center for Human Genetics Tuebingen
Classification: Uncertain significance. Last evaluated: 2022-07-01. Review status: criteria provided, single submitter. Criteria: CeGaT Center For Human Genetics Tuebingen Variant Classification Criteria Version 2. Collection method: clinical testing. Allele origin: germline. Affected: yes. Observed: 1 variant allele.